The following is an entry in ClinVar:

NM_004360.5(CDH1):c.1042G>A (p.Ala348Thr)

Gene: CDH1 (cadherin 1; plus strand). Cytogenetic location: 16q22.1.
Variant type: single nucleotide variant.
Coding change: c.1042G>A on transcript NM_004360.5 (MANE Select); coding-DNA position 1042, G replaced by A.
Protein change: p.Ala348Thr; replaces alanine 348 with threonine.
Molecular consequence: missense variant. On other transcripts: 5 prime UTR variant (2).
Genome position (GRCh38, 1-based): chr16:68,812,168, G>A. VCF-style: chr16-68812168-G-A. GRCh37 (hg19) VCF-style: chr16-68846071-G-A.
Other names: c.1042G>A, p.Ala348Thr (NM_001317184.2); c.-574G>A (NM_001317185.2); c.-778G>A (NM_001317186.2); short protein forms A348T.
Identifiers: ClinVar variation 864096 (VCV000864096.12), dbSNP rs1555515724, ClinGen allele CA396459980.

ClinVar aggregate classification (germline): Conflicting classifications of pathogenicity. Review status: criteria provided, conflicting classifications (1 of 4 stars). 2 submissions from 2 submitters: Uncertain significance (1); Likely benign (1). Last evaluated 2026-04-03.

Conditions:
Hereditary cancer-predisposing syndrome. Also called: Tumor predisposition; Neoplastic Syndromes, Hereditary; Hereditary neoplastic syndrome; Hereditary Cancer Syndrome. Identifiers: Orphanet 140162, MedGen C0027672, MeSH D009386, MONDO:0015356.
Hereditary diffuse gastric adenocarcinoma (HDGC). Also called: DIFFUSE GASTRIC AND LOBULAR BREAST CANCER SYNDROME. Identifiers: Orphanet 26106, MedGen C1708349, MONDO:0007648, OMIM 137215.

Submissions (2):

Ambry Genetics
Classification: Likely benign for Hereditary cancer-predisposing syndrome. Last evaluated: 2026-04-03. Review status: criteria provided, single submitter. Criteria: Ambry Variant Classification Scheme 2023. Collection method: clinical testing. Allele origin: germline.

Labcorp Genetics (formerly Invitae), Labcorp
Classification: Uncertain significance for Hereditary diffuse gastric adenocarcinoma. Last evaluated: 2019-12-16. Review status: criteria provided, single submitter. Criteria: Invitae Variant Classification Sherloc (09022015). Collection method: clinical testing. Allele origin: germline.
Comment: In summary, the available evidence is currently insufficient to determine the role of this variant in disease. Therefore, it has been classified as a Variant of Uncertain Significance. Algorithms developed to predict the effect of missense changes on protein structure and function output the following: SIFT: "Tolerated"; PolyPhen-2: "Benign"; Align-GVGD: "Class C0". The threonine amino acid residue is found in multiple mammalian species, suggesting that this missense change does not adversely affect protein function. These predictions have not been confirmed by published functional studies and their clinical significance is uncertain. This variant has not been reported in the literature in individuals with CDH1-related conditions. This variant is not present in population databases (ExAC no frequency). This sequence change replaces alanine with threonine at codon 348 of the CDH1 protein (p.Ala348Thr). The alanine residue is highly conserved and there is a small physicochemical difference between alanine and threonine.